The following is an entry in ClinVar:

NM_004629.2(FANCG):c.924+3A>G

Gene: FANCG (FA complementation group G; minus strand). Cytogenetic location: 9p13.3.
Variant type: single nucleotide variant.
Coding change: c.924+3A>G on transcript NM_004629.2 (MANE Select); 3 bases into the intron after coding-DNA position 924, A replaced by G.
Molecular consequence: intron variant.
Genome position (GRCh38, 1-based): chr9:35,076,721, T>C on the plus strand (A>G on the coding strand, the complement: FANCG is on the minus strand). VCF-style: chr9-35076721-T-C. GRCh37 (hg19) VCF-style: chr9-35076718-T-C.
Identifiers: ClinVar variation 1396944 (VCV001396944.6), dbSNP rs1338383222, ClinGen allele CA863524701.
Genomic context (GRCh38, chr9:35,076,721, plus strand): 5'-GTCACCCCATCACAAGCACCTCAGGAATCCTCCACCCCACATCTTCACCTGGCAGTTCCC[T>C]ACCTCAACTAGCAGCTCCAGACTCTCCAGCTCTGCTGTTGTGTCCCCCAGTTGCTGATAG-3'

ClinVar aggregate classification (germline): Uncertain significance (1 of 4 stars; one submission).

Conditions:
Fanconi anemia (FA). Also called: Fanconi's anemia. Identifiers: Orphanet 84, MedGen C0015625, MeSH D005199, MONDO:0019391.

Allele frequency attached by ClinVar (database versions not stated): gnomAD exomes below 0.00001; TOPMed below 0.00001; gnomAD 0.00001.

Submission:

Labcorp Genetics (formerly Invitae), Labcorp
Classification: Uncertain significance for Fanconi anemia. Last evaluated: 2021-03-26. Review status: criteria provided, single submitter. Criteria: Invitae Variant Classification Sherloc (09022015). Collection method: clinical testing. Allele origin: germline.
Comment: Nucleotide substitutions within the consensus splice site are a relatively common cause of aberrant splicing (PMID: 17576681, 9536098). Algorithms developed to predict the effect of sequence changes on RNA splicing suggest that this variant may disrupt the consensus splice site, but this prediction has not been confirmed by published transcriptional studies. This variant has not been reported in the literature in individuals with FANCG-related conditions. This variant is not present in population databases (ExAC no frequency). This sequence change falls in intron 7 of the FANCG gene. It does not directly change the encoded amino acid sequence of the FANCG protein. It affects a nucleotide within the consensus splice site of the intron. In summary, the available evidence is currently insufficient to determine the role of this variant in disease. Therefore, it has been classified as a Variant of Uncertain Significance.

Literature cited by the submitters: PubMed 17576681; PubMed 9536098.